The following is an entry in ClinVar:

ClinVar aggregate classification (germline): Uncertain significance (1 of 4 stars; one submission).

Submission:

GeneDx
Classification: Uncertain significance. Last evaluated: 2025-05-21. Review status: criteria provided, single submitter. Criteria: GeneDx Variant Classification Process June 2021. Collection method: clinical testing. Allele origin: germline. Affected: yes.
Comment: Not observed at significant frequency in large population cohorts (gnomAD); In silico analysis supports that this missense variant has a deleterious effect on protein structure/function; Has not been previously published as pathogenic or benign to our knowledge

NM_052867.4(NALCN):c.223G>A (p.Asp75Asn)

Gene: NALCN (sodium leak channel, non-selective; minus strand). Cytogenetic location: 13q33.1.
Variant type: single nucleotide variant.
Coding change: c.223G>A on transcript NM_052867.4 (MANE Select); coding-DNA position 223, G replaced by A.
Protein change: p.Asp75Asn; replaces aspartic acid 75 with asparagine.
Molecular consequence: missense variant.
Genome position (GRCh38, 1-based): chr13:101,395,251, C>T on the plus strand (G>A on the coding strand, the complement: NALCN is on the minus strand). VCF-style: chr13-101395251-C-T. GRCh37 (hg19) VCF-style: chr13-102047602-C-T.
Other names: c.223G>A, p.Asp75Asn (NM_001350748.2, NM_001350749.2, NM_001350750.2 and 1 more transcripts); short protein forms D75N.
Identifiers: ClinVar variation 4530708 (VCV004530708.1).